The following is an entry in ClinVar:

NM_001164508.2(NEB):c.16788C>T (p.Asn5596=)

Gene: NEB (nebulin; minus strand). Cytogenetic location: 2q23.3.
Variant type: single nucleotide variant.
Coding change: c.16788C>T on transcript NM_001164508.2 (MANE Select); coding-DNA position 16788, C replaced by T.
Protein change: p.Asn5596=; no amino-acid change (asparagine 5596 retained).
Molecular consequence: synonymous variant.
Genome position (GRCh38, 1-based): chr2:151,576,271, G>A on the plus strand (C>T on the coding strand, the complement: NEB is on the minus strand). VCF-style: chr2-151576271-G-A. GRCh37 (hg19) VCF-style: chr2-152432785-G-A.
Other names: c.16788C>T, p.Asn5596= (NM_001164507.2, NM_001271208.2); c.11685C>T, p.Asn3895= (NM_004543.5).
Identifiers: ClinVar variation 257769 (VCV000257769.12), dbSNP rs186902443, ClinGen allele CA1908386.

ClinVar aggregate classification (germline): Benign/Likely benign. Review status: criteria provided, multiple submitters, no conflicts (2 of 4 stars). 3 submissions from 3 submitters: Benign (1); Likely benign (2). Last evaluated 2026-01-28.

Conditions:
Nemaline myopathy 2 (NEM2). Also called: Nemaline myopathy 2, autosomal recessive. Identifiers: MedGen C1850569, MONDO:0009725, OMIM 256030.

Allele frequency attached by ClinVar (database versions not stated): gnomAD exomes 0.00009 and 0.00026; ExAC 0.00032; 1000 Genomes Project 0.00100; ESP Exome Variant Server 0.00108; gnomAD 0.00115 and 0.00128; TOPMed 0.00124; 1000 Genomes Project 30x 0.00125.
gnomAD v4.1: 309 of 1,610,828 alleles (0.019%); highest among the groups gnomAD compares: African/African-American, 0.38%; no homozygotes.

Submissions (3):

Labcorp Genetics (formerly Invitae), Labcorp
Classification: Benign for Nemaline myopathy 2. Last evaluated: 2026-01-28. Review status: criteria provided, single submitter. Criteria: Invitae Variant Classification Sherloc (09022015). Collection method: clinical testing. Allele origin: germline.

GeneDx
Classification: Likely benign. Last evaluated: 2018-03-01. Review status: criteria provided, single submitter. Criteria: GeneDx Variant Classification (06012015). Collection method: clinical testing. Allele origin: germline. Affected: yes.
Comment: This variant is considered likely benign or benign based on one or more of the following criteria: it is a conservative change, it occurs at a poorly conserved position in the protein, it is predicted to be benign by multiple in silico algorithms, and/or has population frequency not consistent with disease.

PreventionGenetics, part of Exact Sciences
Classification: Likely benign. Review status: criteria provided, single submitter. Criteria: ACMG Guidelines, 2015. Collection method: clinical testing. Allele origin: germline.